The following is an entry in ClinVar:

ClinVar aggregate classification (germline): Pathogenic/Likely pathogenic. Review status: criteria provided, multiple submitters, no conflicts (2 of 4 stars). 5 submissions from 5 submitters: Pathogenic (1); Likely pathogenic (3). 1 of the submissions does not count toward it. Last evaluated 2024-09-27.

Conditions:
Wilson disease (WND). Also called: Wilson's disease. Identifiers: Orphanet 905, MedGen C0019202, MONDO:0010200, OMIM 277900. Disease mechanism: loss of function.

Submissions (5):

All of Us Research Program, National Institutes of Health
Classification: Likely pathogenic for Wilson disease. Last evaluated: 2024-09-27. Review status: criteria provided, single submitter. Criteria: ACMG Guidelines, 2015. Collection method: clinical testing. Allele origin: germline. Inheritance: Autosomal recessive inheritance. Observed: 4 variant alleles, 4 heterozygotes.
Comment: This variant causes a G to A nucleotide substitution at the -1 position of intron 7 of the ATP7B gene. Splice site prediction tools predict that this variant may have a significant impact on RNA splicing. Although this prediction has not been confirmed in published RNA studies, this variant is expected to result in an absent or disrupted protein product. To out knowledge, this variant has not been reported in individuals affected with ATP7B-related conditions in the literature. This variant has not been identified in the general population by the Genome Aggregation Database (gnomAD). Different variants at the same nucleotide position ATP7B c.2122-1G>T and c.2122-1G>C have been observed in individuals affected Wilson disease (PMID: 24475083, 30702195). Loss of ATP7B function is a known mechanism of disease. Based on the available evidence, this variant is classified as Likely Pathogenic.

This study involves interpretation of variants in research participants for the purpose of population health screening. Participant phenotype was not available at the time of variant classification. Additional details can be found in publication PMID: 35346344, PMCID: PMC8962531

Natera, Inc.
Classification: Likely pathogenic for Wilson disease. Last evaluated: 2024-08-02. Review status: criteria provided, single submitter. Criteria: Natera Variant Classification Schema (03/2026). Collection method: clinical testing. Allele origin: germline.
Comment: The c.2122-1G>A variant in ATP7B is a canonical splice acceptor site variant predicted to affect pre-mRNA splicing, which may result in an abnormal transcript and altered protein product. This variant is expected to result in nonsense mediated decay, truncation, or a dysfunctional protein product. This variant is rare in the general population with a frequency below the threshold expected for the associated phenotype(s). Given the available evidence, this variant is classified as Likely Pathogenic.

Labcorp Genetics (formerly Invitae), Labcorp
Classification: Pathogenic for Wilson disease. Last evaluated: 2023-02-25. Review status: criteria provided, single submitter. Criteria: Invitae Variant Classification Sherloc (09022015). Collection method: clinical testing. Allele origin: germline.
Comment: This sequence change affects an acceptor splice site in intron 7 of the ATP7B gene. It is expected to disrupt RNA splicing. Variants that disrupt the donor or acceptor splice site typically lead to a loss of protein function (PMID: 16199547), and loss-of-function variants in ATP7B are known to be pathogenic (PMID: 10441329, 16283883). This variant is not present in population databases (gnomAD no frequency). Disruption of this splice site has been observed in individual(s) with Wilson disease (Invitae). For these reasons, this variant has been classified as Pathogenic. Algorithms developed to predict the effect of sequence changes on RNA splicing suggest that this variant may disrupt the consensus splice site. ClinVar contains an entry for this variant (Variation ID: 551317).

Fulgent Genetics
Classification: Likely pathogenic for Wilson disease. Last evaluated: 2022-05-24. Review status: criteria provided, single submitter. Criteria: ACMG Guidelines, 2015. Collection method: clinical testing. Allele origin: unknown.

Counsyl
Classification: Likely pathogenic for Wilson disease. Last evaluated: 2017-03-30. Review status: no assertion criteria provided. Collection method: clinical testing. Allele origin: unknown. Not counted in ClinVar's aggregate classification.

Literature cited by the submitters: PubMed 24475083 (cited by All of Us Research Program, National Institutes of Health); PubMed 30702195 (cited by All of Us Research Program, National Institutes of Health); PubMed 16199547 (cited by Labcorp Genetics (formerly Invitae), Labcorp); PubMed 10441329 (cited by Labcorp Genetics (formerly Invitae), Labcorp); PubMed 16283883 (cited by Labcorp Genetics (formerly Invitae), Labcorp).

NM_000053.4(ATP7B):c.2122-1G>A

Gene: ATP7B (ATPase copper transporting beta; minus strand). Cytogenetic location: 13q14.3.
Variant type: single nucleotide variant.
Coding change: c.2122-1G>A on transcript NM_000053.4 (MANE Select); the canonical splice acceptor site of the intron before coding-DNA position 2122, G replaced by A.
Molecular consequence: splice acceptor variant. On other transcripts: intron variant (20).
Genome position (GRCh38, 1-based): chr13:51,958,545, C>T on the plus strand (G>A on the coding strand, the complement: ATP7B is on the minus strand). VCF-style: chr13-51958545-C-T. GRCh37 (hg19) VCF-style: chr13-52532681-C-T.
Other names: c.1774-1G>A (NM_001406543.1); c.2122-938G>A (NM_001406528.1, NM_001406534.1, NM_001406538.1 and 2 more transcripts); c.1870-1G>A (NM_001406532.1, NM_001406540.1, NM_001330579.2 and 1 more transcripts); c.1789-1G>A (NM_001243182.2); c.1286-8384G>A (NM_001406548.1); c.2089-145G>A (NM_001406524.1); c.2122-145G>A (NM_001406522.1, NM_001406520.1, NM_001406537.1 and 1 more transcripts); c.2122-1G>A (NM_001406516.1, NM_001406512.1, NM_001406535.1 and 7 more transcripts); and 8 more.
Identifiers: ClinVar variation 551317 (VCV000551317.14), dbSNP rs1319653818, ClinGen allele CA388023591.